The following is an entry in ClinVar:

NM_000492.4(CFTR):c.376G>A (p.Gly126Ser)

Gene: CFTR (CF transmembrane conductance regulator; plus strand). Cytogenetic location: 7q31.2.
Variant type: single nucleotide variant.
Coding change: c.376G>A on transcript NM_000492.4 (MANE Select); coding-DNA position 376, G replaced by A.
Protein change: p.Gly126Ser; replaces glycine 126 with serine.
Molecular consequence: missense variant.
Genome position (GRCh38, 1-based): chr7:117,531,001, G>A. VCF-style: chr7-117531001-G-A. GRCh37 (hg19) VCF-style: chr7-117171055-G-A.
Other names: short protein forms G126S.
Identifiers: ClinVar variation 53808 (VCV000053808.15), dbSNP rs397508606, ClinGen allele CA327284.

ClinVar aggregate classification (germline): Conflicting classifications of pathogenicity. Review status: criteria provided, conflicting classifications (1 of 4 stars). 5 submissions from 5 submitters: Pathogenic (1); Likely pathogenic (1); Uncertain significance (2). 1 of the submissions does not count toward it. Last evaluated 2025-08-15.

Conditions:
Congenital bilateral aplasia of vas deferens from CFTR mutation (CBAVD). Identifiers: Orphanet 48, MedGen C0403814, MONDO:0010178, OMIM 277180. Disease mechanism: loss of function.
Cystic fibrosis (CF). Also called: MUCOVISCIDOSIS. Identifiers: Orphanet 586, MedGen C0010674, MONDO:0009061, OMIM 219700. Disease mechanism: loss of function.

Allele frequency attached by ClinVar (database versions not stated): gnomAD exomes 0.00001; ExAC 0.00002.
gnomAD v4.1: 7 of 1,612,372 alleles (0.00043%); highest among the groups gnomAD compares: South Asian, 0.0077%; no homozygotes.

Submissions (5):

Women's Health and Genetics/Laboratory Corporation of America, LabCorp
Classification: Uncertain significance. Last evaluated: 2025-08-15. Review status: criteria provided, single submitter. Criteria: LabCorp Variant Classification Summary - May 2015. Collection method: clinical testing. Allele origin: germline.
Comment: Variant summary: CFTR c.376G>A (p.Gly126Ser) results in a non-conservative amino acid change located in the ABC transporter type 1, transmembrane domain (IPR011527) of the encoded protein sequence. Algorithms developed to predict the effect of missense changes on protein structure and function all suggest that this variant is likely to be disruptive. Consensus agreement among computation tools predict no significant impact on normal splicing. However, these predictions have yet to be confirmed by functional studies. The variant allele was found at a frequency of 8e-06 in 250896 control chromosomes. c c.376G>A has been reported in the literature in at least one heterozygous individual affected with congenital bilateral absence of vas deferens (CBAVD), repeated respiratory infections and raised sweat chloride levels without a clinical diagnosis of cystic fibrosis (examples: Sharma_2009). This report, however, does not provide unequivocal conclusions about association of the variant with cystic fibrosis. An experimental study measuring channel function by iodide efflux of the mutant protein compared to WT found to have normal protein maturation process and channel activity (Sharma _2015). However, a recent study conducted by Bihler et al reports approximately 25% of normal chloride channel conductance relative to wild type (Bihler_2024). A different variant affecting the same codon has been classified as pathogenic by our lab (c.377G>A, p.Gly126Asp), supporting the critical relevance of codon 126 to CFTR protein function. The following publications have been ascertained in the context of this evaluation (PMID: 19181743, 25042876, 38388235, 35913788). ClinVar contains an entry for this variant (Variation ID: 53808). Based on the evidence outlined above, the variant was classified as VUS-possibly pathogenic.

Labcorp Genetics (formerly Invitae), Labcorp
Classification: Uncertain significance for Cystic fibrosis. Last evaluated: 2021-09-01. Review status: criteria provided, single submitter. Criteria: Invitae Variant Classification Sherloc (09022015). Collection method: clinical testing. Allele origin: germline.
Comment: This sequence change replaces glycine with serine at codon 126 of the CFTR protein (p.Gly126Ser). The glycine residue is moderately conserved and there is a small physicochemical difference between glycine and serine. This variant is present in population databases (rs397508606, ExAC 0.01%). This missense change has been observed in individual(s) with clinical features of cystic fibrosis (PMID: 19181743, 25042876). This variant is also known as c.508G>A. ClinVar contains an entry for this variant (Variation ID: 53808). Algorithms developed to predict the effect of missense changes on protein structure and function are either unavailable or do not agree on the potential impact of this missense change (SIFT: "Tolerated"; PolyPhen-2: "Possibly Damaging"; Align-GVGD: "Class C0"). Experimental studies have shown that this missense change does not substantially affect CFTR function (PMID: 25042876). This variant disrupts the p.Gly126 amino acid residue in CFTR. Other variant(s) that disrupt this residue have been determined to be pathogenic (PMID: 8163293, 10439967, 23974870, 27214204). This suggests that this residue is clinically significant, and that variants that disrupt this residue are likely to be disease-causing. In summary, the available evidence is currently insufficient to determine the role of this variant in disease. Therefore, it has been classified as a Variant of Uncertain Significance.

Genome-Nilou Lab
Classification: Pathogenic for Congenital bilateral aplasia of vas deferens from CFTR mutation. Last evaluated: 2021-07-22. Review status: criteria provided, single submitter. Criteria: ACMG Guidelines, 2015. Collection method: clinical testing. Allele origin: germline. Affected: no.

Genomic Research Center, Shahid Beheshti University of Medical Sciences
Classification: Likely pathogenic for Cystic fibrosis. Last evaluated: 2020-05-03. Review status: criteria provided, single submitter. Criteria: ACMG Guidelines, 2015. Collection method: clinical testing. Allele origin: unknown. Affected: yes.

ClinVar Staff, National Center for Biotechnology Information (NCBI)
No classification provided. Condition: CFTR-related disorders. Review status: no classification provided. Collection method: literature only. Allele origin: germline. Affected: yes. Not counted in ClinVar's aggregate classification.

Literature cited by the submitters: PubMed 19181743 (cited by 3 submitters); PubMed 25042876 (cited by Women's Health and Genetics/Laboratory Corporation of America, LabCorp and Labcorp Genetics (formerly Invitae), Labcorp); PubMed 35913788 (cited by Women's Health and Genetics/Laboratory Corporation of America, LabCorp); PubMed 38388235 (cited by Women's Health and Genetics/Laboratory Corporation of America, LabCorp); PubMed 8163293 (cited by Labcorp Genetics (formerly Invitae), Labcorp); PubMed 10439967 (cited by Labcorp Genetics (formerly Invitae), Labcorp); PubMed 23974870 (cited by Labcorp Genetics (formerly Invitae), Labcorp); PubMed 27214204 (cited by Labcorp Genetics (formerly Invitae), Labcorp).